The following is an entry in ClinVar:

ClinVar aggregate classification (germline): Benign/Likely benign. Review status: criteria provided, multiple submitters, no conflicts (2 of 4 stars). 6 submissions from 6 submitters: Benign (2); Likely benign (4). Last evaluated 2026-01-13.

Conditions:
POLD1-related polyposis and colorectal cancer syndrome (CRCS10). Also called: Colorectal cancer 10; COLORECTAL CANCER, SUSCEPTIBILITY TO, ON CHROMOSOME 19q; Colorectal cancer, susceptibility to, 10. Identifiers: Orphanet 220460, MedGen C2675481, MONDO:0012953, OMIM 612591.
POLD1-related disorder. Also called: POLD1-related condition; POLD1-related disorders.
Hereditary cancer-predisposing syndrome. Also called: Neoplastic Syndromes, Hereditary; Hereditary neoplastic syndrome; Tumor predisposition; Hereditary Cancer Syndrome. Identifiers: Orphanet 140162, MedGen C0027672, MeSH D009386, MONDO:0015356.

Allele frequency attached by ClinVar (database versions not stated): TOPMed 0.00002.
gnomAD v4.1: 22 of 1,613,972 alleles (0.0014%); highest among the groups gnomAD compares: Admixed American, 0.013%; no homozygotes.

Submissions (6):

Labcorp Genetics (formerly Invitae), Labcorp
Classification: Likely benign for POLD1-related polyposis and colorectal cancer syndrome. Last evaluated: 2026-01-13. Review status: criteria provided, single submitter. Criteria: Invitae Variant Classification Sherloc (09022015). Collection method: clinical testing. Allele origin: germline.

PreventionGenetics, part of Exact Sciences
Classification: Likely benign for POLD1-related condition. Last evaluated: 2025-03-02. Review status: criteria provided, single submitter. Criteria: ACMG Guidelines, 2015. Collection method: clinical testing. Allele origin: germline.
Comment: This variant is classified as likely benign based on ACMG/AMP sequence variant interpretation guidelines (Richards et al. 2015 PMID: 25741868, with internal and published modifications).

Sema4
Classification: Benign for Hereditary cancer-predisposing syndrome. Last evaluated: 2021-05-06. Review status: criteria provided, single submitter. Criteria: Sema4 Curation Guidelines. Collection method: curation. Allele origin: germline.

Quest Diagnostics Nichols Institute San Juan Capistrano
Classification: Benign. Last evaluated: 2019-11-06. Review status: criteria provided, single submitter. Criteria: Quest Diagnostics criteria. Collection method: clinical testing. Allele origin: unknown.

GeneDx
Classification: Likely benign. Last evaluated: 2018-10-15. Review status: criteria provided, single submitter. Criteria: GeneDx Variant Classification Process June 2021. Collection method: clinical testing. Allele origin: germline. Affected: yes.

Ambry Genetics
Classification: Likely benign for Hereditary cancer-predisposing syndrome. Last evaluated: 2015-09-09. Review status: criteria provided, single submitter. Criteria: Ambry Variant Classification Scheme 2023. Collection method: clinical testing. Allele origin: germline.

NM_002691.4(POLD1):c.534G>C (p.Gly178=)

Gene: POLD1 (DNA polymerase delta 1, catalytic subunit; plus strand). Cytogenetic location: 19q13.33.
Variant type: single nucleotide variant.
Coding change: c.534G>C on transcript NM_002691.4 (MANE Select); coding-DNA position 534, G replaced by C.
Protein change: p.Gly178=; no amino-acid change (glycine 178 retained).
Molecular consequence: synonymous variant. On other transcripts: non-coding transcript variant (1).
Genome position (GRCh38, 1-based): chr19:50,402,069, G>C. VCF-style: chr19-50402069-G-C. GRCh37 (hg19) VCF-style: chr19-50905326-G-C.
Other names: c.534G>C, p.Gly178= (NM_001256849.1, NM_001308632.1).
Identifiers: ClinVar variation 469361 (VCV000469361.18), dbSNP rs376129517, ClinGen allele CA9595783.